The following is an entry in ClinVar:

ClinVar aggregate classification (germline): Likely benign. Review status: criteria provided, multiple submitters, no conflicts (2 of 4 stars). 5 submissions from 4 submitters: Likely benign (4). 1 of the submissions does not count toward it. Last evaluated 2026-01-28.

Conditions:
Pontocerebellar hypoplasia type 9. Identifiers: Orphanet 369920, MedGen C4014354, MONDO:0014351, OMIM 615809.
Hereditary spastic paraplegia 63. Also called: Spastic paraplegia 63, autosomal recessive. Identifiers: Orphanet 401805, MedGen C3810295, MONDO:0014305, OMIM 615686.
AMPD2-related disorder. Also called: AMPD2-related condition.

Allele frequency attached by ClinVar (database versions not stated): gnomAD 0.00082 and 0.00087; 1000 Genomes Project 0.00020; ExAC 0.00056; gnomAD exomes 0.00061 and 0.00117; 1000 Genomes Project 30x 0.00031; ESP Exome Variant Server 0.00085; TOPMed 0.00090.
gnomAD v4.1: 1,805 of 1,613,972 alleles (0.11%); highest among the groups gnomAD compares: Non-Finnish European, 0.14%; 5 homozygotes.

Submissions (9):

Labcorp Genetics (formerly Invitae), Labcorp
Classification: Likely benign for Pontocerebellar hypoplasia type 9; Hereditary spastic paraplegia 63. Last evaluated: 2026-01-28. Review status: criteria provided, single submitter. Criteria: Invitae Variant Classification Sherloc (09022015). Collection method: clinical testing. Allele origin: germline.

Genome-Nilou Lab
Classification: Likely benign for Hereditary spastic paraplegia 63. Last evaluated: 2023-04-11. Review status: criteria provided, single submitter. Criteria: ACMG Guidelines, 2015. Collection method: clinical testing. Allele origin: germline. Affected: no.

Genome-Nilou Lab
Classification: Likely benign for Pontocerebellar hypoplasia type 9. Last evaluated: 2023-04-11. Review status: criteria provided, single submitter. Criteria: ACMG Guidelines, 2015. Collection method: clinical testing. Allele origin: germline. Affected: no.

GeneDx
Classification: Likely benign. Last evaluated: 2019-09-04. Review status: criteria provided, single submitter. Criteria: GeneDx Variant Classification Process June 2021. Collection method: clinical testing. Allele origin: germline. Affected: yes.

PreventionGenetics, part of Exact Sciences
Classification: Likely benign for AMPD2-related condition. Last evaluated: 2022-06-29. Review status: no assertion criteria provided. Collection method: clinical testing. Allele origin: germline. Not counted in ClinVar's aggregate classification.
Comment: This variant is classified as likely benign based on ACMG/AMP sequence variant interpretation guidelines (Richards et al. 2015 PMID: 25741868, with internal and published modifications).

Dr. Peter K. Rogan Lab, Western University
No classification provided (evidence only). Condition: Chronic lymphocytic leukemia/small lymphocytic lymphoma. Review status: no classification provided. Collection method: in vitro. Allele origin: not applicable. Functional consequence: retained intron. Not counted in ClinVar's aggregate classification.

Dr. Peter K. Rogan Lab, Western University
No classification provided (evidence only). Condition: Sarcoma. Review status: no classification provided. Collection method: in vitro. Allele origin: not applicable. Functional consequence: retained intron. Not counted in ClinVar's aggregate classification.

Dr. Peter K. Rogan Lab, Western University
No classification provided (evidence only). Condition: Malignant tumor of esophagus. Review status: no classification provided. Collection method: in vitro. Allele origin: not applicable. Functional consequence: retained intron. Not counted in ClinVar's aggregate classification.

Dr. Peter K. Rogan Lab, Western University
No classification provided (evidence only). Condition: Malignant tumor of esophagus. Review status: no classification provided. Collection method: in vitro. Allele origin: not applicable. Functional consequence: retained intron. Not counted in ClinVar's aggregate classification.

NM_001368809.2(AMPD2):c.1699-11T>C

Genes: AMPD2 (adenosine monophosphate deaminase 2; plus strand), LOC126805822 (BRD4-independent group 4 enhancer GRCh37_chr1:110170748-110171947; plus strand). Cytogenetic location: 1p13.3.
Variant type: single nucleotide variant.
Coding change: c.1699-11T>C on transcript NM_001368809.2 (MANE Select); 11 bases into the intron before coding-DNA position 1699, T replaced by C.
Molecular consequence: intron variant.
Genome position (GRCh38, 1-based): chr1:109,629,316, T>C. VCF-style: chr1-109629316-T-C. GRCh37 (hg19) VCF-style: chr1-110171938-T-C.
Other names: c.1861-11T>C (NM_001257360.1); c.1618-11T>C (NM_139156.4); c.1636-11T>C (NM_001308170.1); c.1699-11T>C (NM_004037.9); c.1507-11T>C (NM_001257361.2).
Identifiers: ClinVar variation 1206649 (VCV001206649.15), dbSNP rs188035528, ClinGen allele CA993173.